The following is an entry in ClinVar:

ClinVar aggregate classification (germline): Likely benign (1 of 4 stars; one submission).

Allele frequency attached by ClinVar (database versions not stated): TOPMed 0.00002; gnomAD 0.00003; ExAC 0.00006; gnomAD exomes 0.00007; ESP Exome Variant Server 0.00008.
gnomAD v4.1: 100 of 1,613,962 alleles (0.0062%); highest among the groups gnomAD compares: Non-Finnish European, 0.008%; no homozygotes.

Submission:

CeGaT Center for Human Genetics Tuebingen
Classification: Likely benign. Last evaluated: 2022-08-01. Review status: criteria provided, single submitter. Criteria: CeGaT Center For Human Genetics Tuebingen Variant Classification Criteria Version 2. Collection method: clinical testing. Allele origin: germline. Affected: yes. Observed: 1 variant allele.
Comment: NLRP2: BP4, BP7

NM_017852.5(NLRP2):c.2733C>T (p.Ser911=)

Gene: NLRP2 (NLR family pyrin domain containing 2; plus strand). Cytogenetic location: 19q13.42.
Variant type: single nucleotide variant.
Coding change: c.2733C>T on transcript NM_017852.5 (MANE Select); coding-DNA position 2733, C replaced by T.
Protein change: p.Ser911=; no amino-acid change (serine 911 retained).
Molecular consequence: synonymous variant. On other transcripts: non-coding transcript variant (1).
Genome position (GRCh38, 1-based): chr19:54,994,293, C>T. VCF-style: chr19-54994293-C-T. GRCh37 (hg19) VCF-style: chr19-55505661-C-T.
Other names: c.2733C>T, p.Ser911= (NM_001174081.3); c.2667C>T, p.Ser889= (NM_001174082.3); c.2664C>T, p.Ser888= (NM_001174083.2); c.2724C>T, p.Ser908= (NM_001348003.2).
Identifiers: ClinVar variation 1711489 (VCV001711489.30), dbSNP rs368935419, ClinGen allele CA310113678.